The following is an entry in ClinVar:

ClinVar aggregate classification (germline): Uncertain significance (1 of 4 stars; one submission).

Allele frequency attached by ClinVar (database versions not stated): gnomAD exomes below 0.00001.
gnomAD v4.1: 2 of 1,614,166 alleles (0.00012%); highest among the groups gnomAD compares: Non-Finnish European, 0.00017%; no homozygotes.

Submission:

GeneDx
Classification: Uncertain significance. Last evaluated: 2025-02-21. Review status: criteria provided, single submitter. Criteria: GeneDx Variant Classification Process June 2021. Collection method: clinical testing. Allele origin: germline.
Comment: Not observed at significant frequency in large population cohorts (gnomAD); In silico analysis supports that this missense variant has a deleterious effect on protein structure/function; Has not been previously published as pathogenic or benign to our knowledge

NM_001042475.3(CEP85L):c.455C>A (p.Pro152Gln)

Gene: CEP85L (centrosomal protein 85L; minus strand). Cytogenetic location: 6q22.31.
Variant type: single nucleotide variant.
Coding change: c.455C>A on transcript NM_001042475.3 (MANE Select); coding-DNA position 455, C replaced by A.
Protein change: p.Pro152Gln; replaces proline 152 with glutamine.
Molecular consequence: missense variant.
Genome position (GRCh38, 1-based): chr6:118,566,094, G>T on the plus strand (C>A on the coding strand, the complement: CEP85L is on the minus strand). VCF-style: chr6-118566094-G-T. GRCh37 (hg19) VCF-style: chr6-118887257-G-T.
Other names: c.464C>A, p.Pro155Gln (NM_001178035.2); c.455C>A, p.Pro152Gln (NM_206921.3); short protein forms P152Q, P155Q.
Identifiers: ClinVar variation 2430561 (VCV002430561.2), dbSNP rs1779485563, ClinGen allele CA365549891.